The following is an entry in ClinVar:

ClinVar aggregate classification (germline): Uncertain significance (1 of 4 stars; one submission).

Conditions:
Retinoblastoma (RB1). Also called: RETINOBLASTOMA, SOMATIC. Identifiers: Orphanet 790, MedGen C0035335, MeSH D012175, MONDO:0008380, OMIM 180200, HP:0009919. Disease mechanism: loss of function. Inheritance: Both sporadic and heritable forms are tested..

gnomAD v4.1: 1 of 1,604,990 alleles (0.000062%); highest among the groups gnomAD compares: Non-Finnish European, 0.000085%; no homozygotes.

Submission:

Labcorp Genetics (formerly Invitae), Labcorp
Classification: Uncertain significance for Retinoblastoma. Last evaluated: 2026-01-16. Review status: criteria provided, single submitter. Criteria: Invitae Variant Classification Sherloc (09022015). Collection method: clinical testing. Allele origin: germline.
Comment: This sequence change replaces lysine, which is basic and polar, with arginine, which is basic and polar, at codon 329 of the RB1 protein (p.Lys329Arg). This variant is not present in population databases (gnomAD no frequency). This variant has not been reported in the literature in individuals affected with RB1-related conditions. Invitae Evidence Modeling of protein sequence and biophysical properties (such as structural, functional, and spatial information, amino acid conservation, physicochemical variation, residue mobility, and thermodynamic stability) indicates that this missense variant is not expected to disrupt RB1 protein function with a negative predictive value of 80%. In summary, the available evidence is currently insufficient to determine the role of this variant in disease. Therefore, it has been classified as a Variant of Uncertain Significance.

NM_000321.3(RB1):c.986A>G (p.Lys329Arg)

Gene: RB1 (RB transcriptional corepressor 1; plus strand). Cytogenetic location: 13q14.2.
Variant type: single nucleotide variant.
Coding change: c.986A>G on transcript NM_000321.3 (MANE Select); coding-DNA position 986, A replaced by G.
Protein change: p.Lys329Arg; replaces lysine 329 with arginine.
Molecular consequence: missense variant.
Genome position (GRCh38, 1-based): chr13:48,367,540, A>G. VCF-style: chr13-48367540-A-G. GRCh37 (hg19) VCF-style: chr13-48941676-A-G.
Other names: c.986A>G, p.Lys329Arg (NM_001407165.1, NM_001407166.1); short protein forms K329R.
Identifiers: ClinVar variation 4779584 (VCV004779584.1).
Genomic context (GRCh38, chr13:48,367,540, plus strand): 5'-TTTTTTCTTTCAAGGTTGAAAATCTTTCTAAACGATACGAAGAAATTTATCTTAAAAATA[A>G]AGATCTAGATGCAAGATTATTTTTGGATCATGATAAAACTCTTCAGACTGATTCTATAGA-3'
Protein context (NP_000312.2, residues 319-339): KRYEEIYLKN[Lys329Arg]DLDARLFLDH